The following is an entry in ClinVar:

ClinVar aggregate classification (germline): Uncertain significance (0 of 4 stars; one submission).

Conditions:
Sex development disorder.

gnomAD v4.1: 32 of 152,160 alleles (0.021%); highest among the groups gnomAD compares: Non-Finnish European, 0.041%; no homozygotes.

Submission:

Joint Genome Diagnostic Labs from Nijmegen and Maastricht, Radboudumc and MUMC+
Classification: Uncertain significance for sex development disorder. Review status: no assertion criteria provided. Collection method: clinical testing. Allele origin: germline. Affected: yes.

NM_000197.2(HSD17B3):c.202-18259A>G

Genes: HSD17B3 (hydroxysteroid 17-beta dehydrogenase 3; minus strand), SLC35D2-HSD17B3 (SLC35D2-HSD17B3 readthrough; minus strand). Cytogenetic location: 9q22.32.
Variant type: single nucleotide variant.
Coding change: c.202-18259A>G on transcript NM_000197.2 (MANE Select); 18259 bases into the intron before coding-DNA position 202, A replaced by G.
Molecular consequence: intron variant.
Genome position (GRCh38, 1-based): chr9:96,273,202, T>C on the plus strand (A>G on the coding strand, the complement: HSD17B3 is on the minus strand). VCF-style: chr9-96273202-T-C. GRCh37 (hg19) VCF-style: chr9-99035484-T-C.
Identifiers: ClinVar variation 3338132 (VCV003338132.1).